The following is an entry in ClinVar:

NM_017791.3(FLVCR2):c.648C>G (p.Ser216=)

Gene: FLVCR2 (FLVCR choline and putative heme transporter 2; plus strand). Cytogenetic location: 14q24.3.
Variant type: single nucleotide variant.
Coding change: c.648C>G on transcript NM_017791.3 (MANE Select); coding-DNA position 648, C replaced by G.
Protein change: p.Ser216=; no amino-acid change (serine 216 retained).
Molecular consequence: synonymous variant.
Genome position (GRCh38, 1-based): chr14:75,579,620, C>G. VCF-style: chr14-75579620-C-G. GRCh37 (hg19) VCF-style: chr14-76045963-C-G.
Identifiers: ClinVar variation 95820 (VCV000095820.18), dbSNP rs2287017, ClinGen allele CA148903.
Genomic context (GRCh38, chr14:75,579,620, plus strand): 5'-CATGCCCTCCCGCATCGCTTCCGTCTGGTTCGGGGCTAATGAGGTTTCAACAGCCTGCTC[C>G]GTGGCTGTCTTTGGCAATCAGGTAGGTAGAACAGTTTGTGAATGTTCCCAGGGGCGTGTG-3'
Protein context (NP_060261.2, residues 206-226): FGANEVSTAC[Ser216=]VAVFGNQLGI

ClinVar aggregate classification (germline): Benign. Review status: criteria provided, multiple submitters, no conflicts (2 of 4 stars). 7 submissions from 7 submitters: Benign (7). Last evaluated 2026-02-03.

Conditions:
Posterior column ataxia-retinitis pigmentosa syndrome (RETSNS). Also called: RETINOPATHY-SENSORY NEUROPATHY SYNDROME. Identifiers: Orphanet 88628, MedGen C1836916, MONDO:0012177, OMIM 609033.
Proliferative vasculopathy and hydranencephaly-hydrocephaly syndrome. Also called: ENCEPHALOCLASTIC PROLIFERATIVE VASCULOPATHY; HYDRANENCEPHALY, FOWLER TYPE; HYDROCEPHALY/HYDRANENCEPHALY DUE TO CEREBRAL VASCULOPATHY; Fowler syndrome. Identifiers: Orphanet 221126, MedGen C1856972, MONDO:0009168, OMIM 225790.

Allele frequency attached by ClinVar (database versions not stated): ESP Exome Variant Server 0.37191; gnomAD 0.37496 and 0.37676; TOPMed 0.39877; 1000 Genomes Project 0.47384; 1000 Genomes Project 30x 0.47751.
gnomAD v4.1: 432,752 of 1,613,744 alleles (27%); highest among the groups gnomAD compares: African/African-American, 67%; 69,822 homozygotes.

Submissions (7):

Labcorp Genetics (formerly Invitae), Labcorp
Classification: Benign. Last evaluated: 2026-02-03. Review status: criteria provided, single submitter. Criteria: Invitae Variant Classification Sherloc (09022015). Collection method: clinical testing. Allele origin: germline.

Blueprint Genetics
Classification: Benign. Last evaluated: 2024-11-27. Review status: criteria provided, single submitter. Criteria: ACMG Guidelines, 2015. Collection method: clinical testing. Allele origin: germline.

Genome-Nilou Lab
Classification: Benign for Proliferative vasculopathy and hydranencephaly-hydrocephaly syndrome. Last evaluated: 2021-08-10. Review status: criteria provided, single submitter. Criteria: ACMG Guidelines, 2015. Collection method: clinical testing. Allele origin: germline. Affected: no.

GeneDx
Classification: Benign. Last evaluated: 2019-10-02. Review status: criteria provided, single submitter. Criteria: GeneDx Variant Classification Process June 2021. Collection method: clinical testing. Allele origin: germline. Affected: yes.

Illumina Laboratory Services, Illumina
Classification: Benign for Posterior column ataxia-retinitis pigmentosa syndrome. Last evaluated: 2018-01-13. Review status: criteria provided, single submitter. Criteria: ICSL Variant Classification Criteria 13 December 2019. Collection method: clinical testing. Allele origin: germline.
Comment: This variant was observed in the ICSL laboratory as part of a predisposition screen in an ostensibly healthy population. It had not been previously curated by ICSL or reported in the Human Gene Mutation Database (HGMD: prior to June 1st, 2018), and was therefore a candidate for classification through an automated scoring system. Utilizing variant allele frequency, disease prevalence and penetrance estimates, and inheritance mode, an automated score was calculated to assess if this variant is too frequent to cause the disease. Based on the score and internal cut-off values, a variant classified as benign is not then subjected to further curation. The score for this variant resulted in a classification of benign for this disease.

Eurofins Ntd Llc (ga)
Classification: Benign. Last evaluated: 2013-07-03. Review status: criteria provided, single submitter. Criteria: EGL Classification Definitions 2015. Collection method: clinical testing. Allele origin: germline. Observed: 4 variant alleles, 3 heterozygotes, 1 homozygote.

Breakthrough Genomics
Classification: Benign. Review status: criteria provided, single submitter. Criteria: ACMG Guidelines, 2015. Collection method: not provided. Allele origin: germline. Inheritance: Autosomal recessive inheritance. Affected: yes.